The following is an entry in ClinVar:

ClinVar aggregate classification (germline): Uncertain significance (1 of 4 stars; one submission).

Conditions:
Immunodeficiency due to CD25 deficiency. Also called: IL2RA DEFICIENCY; CD25 DEFICIENCY; IMMUNODEFICIENCY 41 WITH LYMPHOPROLIFERATION AND AUTOIMMUNITY. Identifiers: Orphanet 169100, MedGen C1853392, MONDO:0011664, OMIM 606367.

Submission:

Labcorp Genetics (formerly Invitae), Labcorp
Classification: Uncertain significance for Immunodeficiency due to CD25 deficiency. Last evaluated: 2021-12-08. Review status: criteria provided, single submitter. Criteria: Invitae Variant Classification Sherloc (09022015). Collection method: clinical testing. Allele origin: germline.
Comment: In summary, the available evidence is currently insufficient to determine the role of this variant in disease. Therefore, it has been classified as a Variant of Uncertain Significance. Algorithms developed to predict the effect of missense changes on protein structure and function output the following: SIFT: "Tolerated"; PolyPhen-2: "Benign"; Align-GVGD: "Class C0". The lysine amino acid residue is found in multiple mammalian species, which suggests that this missense change does not adversely affect protein function. This variant has not been reported in the literature in individuals affected with IL2RA-related conditions. This variant is not present in population databases (gnomAD no frequency). This sequence change replaces arginine, which is basic and polar, with lysine, which is basic and polar, at codon 266 of the IL2RA protein (p.Arg266Lys).

NM_000417.3(IL2RA):c.797G>A (p.Arg266Lys)

Gene: IL2RA (interleukin 2 receptor subunit alpha; minus strand). Cytogenetic location: 10p15.1.
Variant type: single nucleotide variant.
Coding change: c.797G>A on transcript NM_000417.3 (MANE Select); coding-DNA position 797, G replaced by A.
Protein change: p.Arg266Lys; replaces arginine 266 with lysine.
Molecular consequence: missense variant.
Genome position (GRCh38, 1-based): chr10:6,012,894, C>T on the plus strand (G>A on the coding strand, the complement: IL2RA is on the minus strand). VCF-style: chr10-6012894-C-T. GRCh37 (hg19) VCF-style: chr10-6054857-C-T.
Other names: c.581G>A, p.Arg194Lys (NM_001308242.2); c.509G>A, p.Arg170Lys (NM_001308243.2); short protein forms R170K, R194K, R266K.
Identifiers: ClinVar variation 1396607 (VCV001396607.6), dbSNP rs2132840689, ClinGen allele CA375923102.
Genomic context (GRCh38, chr10:6,012,894, plus strand): 5'-CCGGCTTCTTACCAAGAAATTCTTGTTCTTTTGGTTTTCTAGATTGTTCTTCTACTCTTC[C>T]TCCTGTAGTGGTGTAACAAAGTCACGGTCATATGTGTAACACGGCACCAAAAAAATGTGG-3'
Protein context (NP_000408.1, residues 256-272): LSGLTWQRRQ[Arg266Lys]KSRRTI